The following is an entry in ClinVar:

NM_080632.3(UPF3B):c.1270dup (p.Glu424fs)

Gene: UPF3B (UPF3B regulator of nonsense mediated mRNA decay; minus strand). Cytogenetic location: Xq24.
Variant type: Duplication.
Coding change: c.1270dup on transcript NM_080632.3 (MANE Select); coding-DNA position 1270, one base duplicated (G; older notation c.1270dupG).
Protein change: p.Glu424fs; shifts the reading frame from glutamic acid 424.
Molecular consequence: frameshift variant.
Genome position (GRCh38, 1-based): chrX:119,837,789, C duplicated on the plus strand (G on the coding strand, the reverse complement: UPF3B is on the minus strand). VCF-style (leftmost placement, unchanged base first): chrX-119837788-T-TC. GRCh37 (hg19) VCF-style: chrX-118971751-T-TC.
Other names: c.1231dup, p.Glu411fs (NM_023010.4); short protein forms E411fs, E424fs.
Identifiers: ClinVar variation 4536242 (VCV004536242.1).

ClinVar aggregate classification (germline): Likely pathogenic (1 of 4 stars; one submission).

Submission:

GeneDx
Classification: Likely pathogenic. Last evaluated: 2025-06-04. Review status: criteria provided, single submitter. Criteria: GeneDx Variant Classification Process June 2021. Collection method: clinical testing. Allele origin: germline. Affected: yes.
Comment: Frameshift variant predicted to result in abnormal protein length as the last 60 amino acids are replaced with 32 different amino acids, and other similar variants have been reported in HGMD; Not observed at significant frequency in large population cohorts (gnomAD); Has not been previously published as pathogenic or benign to our knowledge